The following is an entry in ClinVar:

NM_001289808.2(CRYAB):c.188C>A (p.Thr63Asn)

Gene: CRYAB (crystallin alpha B; minus strand). Cytogenetic location: 11q23.1.
Variant type: single nucleotide variant.
Coding change: c.188C>A on transcript NM_001289808.2 (MANE Select); coding-DNA position 188, C replaced by A.
Protein change: p.Thr63Asn; replaces threonine 63 with asparagine.
Molecular consequence: missense variant.
Genome position (GRCh38, 1-based): chr11:111,911,537, G>T on the plus strand (C>A on the coding strand, the complement: CRYAB is on the minus strand). VCF-style: chr11-111911537-G-T. GRCh37 (hg19) VCF-style: chr11-111782261-G-T.
Other names: c.188C>A, p.Thr63Asn (NM_001289807.1, NM_001368245.1, NM_001885.3); short protein forms T63N.
Identifiers: ClinVar variation 3717708 (VCV003717708.2).

ClinVar aggregate classification (germline): Uncertain significance (1 of 4 stars; one submission).

Conditions:
Dilated cardiomyopathy 1II (CMD1II). Identifiers: Orphanet 154, MedGen C3554649, MONDO:0014073, OMIM 615184.

Submission:

Labcorp Genetics (formerly Invitae), Labcorp
Classification: Uncertain significance for Dilated cardiomyopathy 1II. Last evaluated: 2024-09-17. Review status: criteria provided, single submitter. Criteria: Invitae Variant Classification Sherloc (09022015). Collection method: clinical testing. Allele origin: germline.
Comment: This sequence change replaces threonine, which is neutral and polar, with asparagine, which is neutral and polar, at codon 63 of the CRYAB protein (p.Thr63Asn). The frequency data for this variant in the population databases is considered unreliable, as metrics indicate poor data quality at this position in the gnomAD database. This variant has not been reported in the literature in individuals affected with CRYAB-related conditions. An algorithm developed to predict the effect of missense changes on protein structure and function (PolyPhen-2) suggests that this variant is likely to be tolerated. In summary, the available evidence is currently insufficient to determine the role of this variant in disease. Therefore, it has been classified as a Variant of Uncertain Significance.